The following is an entry in ClinVar:

ClinVar aggregate classification (germline): Uncertain significance (1 of 4 stars; one submission).

Conditions:
Combined oxidative phosphorylation deficiency. Identifiers: MedGen C4540031, MONDO:0000732.
Charcot-Marie-Tooth Neuropathy X. Identifiers: MedGen CN118851.

Submission:

Labcorp Genetics (formerly Invitae), Labcorp
Classification: Uncertain significance for Charcot-Marie-Tooth Neuropathy X; Combined oxidative phosphorylation deficiency. Last evaluated: 2023-11-07. Review status: criteria provided, single submitter. Criteria: Invitae Variant Classification Sherloc (09022015). Collection method: clinical testing. Allele origin: germline.
Comment: This sequence change replaces threonine, which is neutral and polar, with alanine, which is neutral and non-polar, at codon 188 of the AIFM1 protein (p.Thr188Ala). This variant is not present in population databases (gnomAD no frequency). This variant has not been reported in the literature in individuals affected with AIFM1-related conditions. Advanced modeling of protein sequence and biophysical properties (such as structural, functional, and spatial information, amino acid conservation, physicochemical variation, residue mobility, and thermodynamic stability) performed at Invitae indicates that this missense variant is not expected to disrupt AIFM1 protein function with a negative predictive value of 80%. In summary, the available evidence is currently insufficient to determine the role of this variant in disease. Therefore, it has been classified as a Variant of Uncertain Significance.

NM_004208.4(AIFM1):c.562A>G (p.Thr188Ala)

Genes: AIFM1 (apoptosis inducing factor mitochondria associated 1; minus strand), RAB33A (RAB33A, member RAS oncogene family; plus strand). Cytogenetic location: Xq26.1.
Variant type: single nucleotide variant.
Coding change: c.562A>G on transcript NM_004208.4 (MANE Select); coding-DNA position 562, A replaced by G.
Protein change: p.Thr188Ala; replaces threonine 188 with alanine.
Molecular consequence: missense variant. On other transcripts: non-coding transcript variant (1).
Genome position (GRCh38, 1-based): chrX:130,147,536, T>C on the plus strand (A>G on the coding strand, the complement: AIFM1 is on the minus strand). VCF-style: chrX-130147536-T-C. GRCh37 (hg19) VCF-style: chrX-129281511-T-C.
Other names: c.562A>G, p.Thr188Ala (NM_001130847.4); c.550A>G, p.Thr184Ala (NM_145812.3); short protein forms T188A, T184A.
Identifiers: ClinVar variation 2931833 (VCV002931833.3), dbSNP rs1603227318, ClinGen allele CA414588065.
Genomic context (GRCh38, chrX:130,147,536, plus strand): 5'-TACATAAGCAAACACACCTTCTCTCTTTTCCATTCCACTGTTTGAATCGCAGTGTCTTTG[T>C]GACATTTGGGTCATCTGAAAACCACAGTTCTTTTGAAAGAGGAGGTCGCATGTACGGCAG-3'
Protein context (NP_004199.1, residues 178-198): ELWFSDDPNV[Thr188Ala]KTLRFKQWNG